The following is an entry in ClinVar:

ClinVar aggregate classification (germline): Uncertain significance (1 of 4 stars; one submission).

gnomAD v4.1: 3 of 1,613,188 alleles (0.00019%); highest among the groups gnomAD compares: Non-Finnish European, 0.00025%; no homozygotes.

Submission:

CeGaT Center for Human Genetics Tuebingen
Classification: Uncertain significance. Last evaluated: 2026-03-01. Review status: criteria provided, single submitter. Criteria: CeGaT Center For Human Genetics Tuebingen Variant Classification Criteria Version 2. Collection method: clinical testing. Allele origin: germline. Affected: yes. Observed: 1 variant allele.
Comment: GON4L: PM2, PP2, BP4

NM_001282860.2(GON4L):c.5015A>T (p.Tyr1672Phe)

Gene: GON4L (gon-4 like; minus strand). Cytogenetic location: 1q22.
Variant type: single nucleotide variant.
Coding change: c.5015A>T on transcript NM_001282860.2 (MANE Select); coding-DNA position 5015, A replaced by T.
Protein change: p.Tyr1672Phe; replaces tyrosine 1672 with phenylalanine.
Molecular consequence: missense variant.
Genome position (GRCh38, 1-based): chr1:155,760,538, T>A on the plus strand (A>T on the coding strand, the complement: GON4L is on the minus strand). VCF-style: chr1-155760538-T-A. GRCh37 (hg19) VCF-style: chr1-155730329-T-A.
Other names: c.5015A>T, p.Tyr1672Phe (NM_001282856.2, NM_001282858.2); short protein forms Y1672F.
Identifiers: ClinVar variation 4823773 (VCV004823773.4).
Genomic context (GRCh38, chr1:155,760,538, plus strand): 5'-AAAGCAGCAAAGTCTTTCAACAGCTGAGGCCAGTCTTGGAGCAGAATTTGCAGGCTTTTG[T>A]AGAGATCTACAGCCGTCCGTCTCTGGGTACTTGACTCAAATTCATAGATGACTTGAAGGA-3'
Protein context (NP_001269789.1, residues 1662-1682): STQRRTAVDL[Tyr1672Phe]KSLQILLQDW